The following is an entry in ClinVar:

NM_004655.4(AXIN2):c.271G>C (p.Gly91Arg)

Gene: AXIN2 (axin 2; minus strand). Cytogenetic location: 17q24.1.
Variant type: single nucleotide variant.
Coding change: c.271G>C on transcript NM_004655.4 (MANE Select); coding-DNA position 271, G replaced by C.
Protein change: p.Gly91Arg; replaces glycine 91 with arginine.
Molecular consequence: missense variant.
Genome position (GRCh38, 1-based): chr17:65,558,350, C>G on the plus strand (G>C on the coding strand, the complement: AXIN2 is on the minus strand). VCF-style: chr17-65558350-C-G. GRCh37 (hg19) VCF-style: chr17-63554468-C-G.
Other names: c.271G>C, p.Gly91Arg (NM_001363813.1); short protein forms G91R.
Identifiers: ClinVar variation 1795178 (VCV001795178.2), dbSNP rs1480283302, ClinGen allele CA400681767.

ClinVar aggregate classification (germline): Uncertain significance (1 of 4 stars; one submission).

Conditions:
Hereditary cancer-predisposing syndrome. Also called: Tumor predisposition; Hereditary Cancer Syndrome; Neoplastic Syndromes, Hereditary; Hereditary neoplastic syndrome. Identifiers: Orphanet 140162, MedGen C0027672, MeSH D009386, MONDO:0015356.

Submission:

Ambry Genetics
Classification: Uncertain significance for Hereditary cancer-predisposing syndrome. Last evaluated: 2020-12-11. Review status: criteria provided, single submitter. Criteria: Ambry Variant Classification Scheme 2023. Collection method: clinical testing. Allele origin: germline.
Comment: The p.G91R variant (also known as c.271G>C), located in coding exon 1 of the AXIN2 gene, results from a G to C substitution at nucleotide position 271. The glycine at codon 91 is replaced by arginine, an amino acid with dissimilar properties. This amino acid position is highly conserved in available vertebrate species. In addition, the in silico prediction for this alteration is inconclusive. Since supporting evidence is limited at this time, the clinical significance of this alteration remains unclear.